The following is an entry in ClinVar:

NM_000059.4(BRCA2):c.3889A>C (p.Asn1297His)

Gene: BRCA2 (BRCA2 DNA repair associated; plus strand). Cytogenetic location: 13q13.1.
Variant type: single nucleotide variant.
Coding change: c.3889A>C on transcript NM_000059.4 (MANE Select); coding-DNA position 3889, A replaced by C.
Protein change: p.Asn1297His; replaces asparagine 1297 with histidine.
Molecular consequence: missense variant. On other transcripts: non-coding transcript variant (1), intron variant (2).
Genome position (GRCh38, 1-based): chr13:32,338,244, A>C. VCF-style: chr13-32338244-A-C. GRCh37 (hg19) VCF-style: chr13-32912381-A-C.
Other names: c.3889A>C, p.Asn1297His (NM_001406719.1, NM_001406720.1, NM_001432077.1); c.1909+4857A>C (NM_001406721.1); c.425-6314A>C (NM_001406722.1); short protein forms N1297H.
Identifiers: ClinVar variation 4215928 (VCV004215928.1).

ClinVar aggregate classification (germline): Uncertain significance (1 of 4 stars; one submission).

Conditions:
Hereditary cancer-predisposing syndrome. Also called: Hereditary Cancer Syndrome; Hereditary neoplastic syndrome; Neoplastic Syndromes, Hereditary; Tumor predisposition. Identifiers: Orphanet 140162, MedGen C0027672, MeSH D009386, MONDO:0015356.

Submission:

Ambry Genetics
Classification: Uncertain significance for Hereditary cancer-predisposing syndrome. Last evaluated: 2025-08-30. Review status: criteria provided, single submitter. Criteria: Ambry Variant Classification Scheme 2023. Collection method: clinical testing. Allele origin: germline.
Comment: The p.N1297H variant (also known as c.3889A>C), located in coding exon 10 of the BRCA2 gene, results from an A to C substitution at nucleotide position 3889. The asparagine at codon 1297 is replaced by histidine, an amino acid with similar properties. This amino acid position is conserved. In addition, this alteration is predicted to be tolerated by in silico analysis. Based on the available evidence, the clinical significance of this variant remains unclear.